The following is an entry in ClinVar:

ClinVar aggregate classification (germline): Pathogenic (1 of 4 stars; one submission).

Submission:

Quest Diagnostics Nichols Institute San Juan Capistrano
Classification: Pathogenic. Last evaluated: 2024-07-17. Review status: criteria provided, single submitter. Criteria: ACMG/ClinGen CNV Guidelines, 2019. Collection method: clinical testing. Allele origin: unknown.
Comment: This loss involves at least two protein-coding genes, including the first two exons (non-coding; NM_018328.5) of MBD5 (OMIM 611472). Haploinsufficiency of MBD5 is associated with autosomal dominant intellectual developmental disorder 1 (OMIM 156200, Mullegama 2022).There are several cases of individuals with deletions of MBD5 exons 1-2 with the associated phenotype (Myers 2021, Ohori 2021, Tadros 2017, Bonnet 2013, Chau 2020, D’Abate 2019, Fry 2016, Papuc 2019), sometimes inherited from a mosaic parent that was either unaffected or mildly affected (Myers 2021, Ohori 2021, Tadros 2017). There are no similar copy number losses of this region in the general populations of the Database of Genomic Variants. Thus, this copy number variant (CNV) is classified as pathogenic. References: Bonnet et al., Eur J Hum Genet. 2013 Dec;21(12):1457-61. PMID: 23422940 Chau et al., Hum Genet. 2020 Nov;139(11):1403-1415. PMID: 32451733 D’Abate et al., Nat Commun. 2019 Dec 5;10(1):5519. PMID: 31801954 Fry et al., BMC Med Genet. 2016 Apr 26;17(1):34. PMID: 27113213 Mullegama et al., GeneReviews? [Internet]. 2022 Apr 28. PMID: 27786435 Myers et al., Neurol Genet. 2021 Mar 18;7(2):e579. PMID: 33912662 Ohori et al., J Hum Genet. 2021 Jul;66(7):697-705. PMID: 33510365 Papuc et al., Eur J Hum Genet. 2019 Mar;27(3):408-421. PMID: 30552426 Tadros et al., Mol Genet Genomic Med. 2017 Aug 8;5(5):608-613. PMID: 28944244

GRCh37/hg19 2q23.1(chr2:148770496-148829749)x1

Genes: MBD5 (methyl-CpG binding domain protein 5; plus strand), ORC4 (origin recognition complex subunit 4; minus strand). Cytogenetic location: 2q23.1.
Variant type: copy number loss.
Change: copy number 1 (one copy instead of two) of chr2:148,770,496-148,829,749 (59.3 kb, GRCh37 coordinates, 1-based), cytogenetic band 2q23.1.
Identifiers: ClinVar variation 4682542 (VCV004682542.1).